The following is an entry in ClinVar:

NM_015087.5(SPART):c.851C>T (p.Pro284Leu)

Gene: SPART (spartin; minus strand). Cytogenetic location: 13q13.3.
Variant type: single nucleotide variant.
Coding change: c.851C>T on transcript NM_015087.5 (MANE Select); coding-DNA position 851, C replaced by T.
Protein change: p.Pro284Leu; replaces proline 284 with leucine.
Molecular consequence: missense variant.
Genome position (GRCh38, 1-based): chr13:36,331,556, G>A on the plus strand (C>T on the coding strand, the complement: SPART is on the minus strand). VCF-style: chr13-36331556-G-A. GRCh37 (hg19) VCF-style: chr13-36905693-G-A.
Other names: c.851C>T, p.Pro284Leu (NM_001142294.2, NM_001142295.2, NM_001142296.2); short protein forms P284L.
Identifiers: ClinVar variation 1694703 (VCV001694703.31), dbSNP rs373829159, ClinGen allele CA6949550.

ClinVar aggregate classification (germline): Uncertain significance (1 of 4 stars; one submission).

Allele frequency attached by ClinVar (database versions not stated): gnomAD 0.00001; TOPMed 0.00002; ESP Exome Variant Server 0.00008.
gnomAD v4.1: 21 of 1,613,716 alleles (0.0013%); highest among the groups gnomAD compares: Non-Finnish European, 0.0017%; no homozygotes.

Submission:

CeGaT Center for Human Genetics Tuebingen
Classification: Uncertain significance. Last evaluated: 2022-05-01. Review status: criteria provided, single submitter. Criteria: CeGaT Center For Human Genetics Tuebingen Variant Classification Criteria Version 2. Collection method: clinical testing. Allele origin: germline. Affected: yes. Observed: 1 variant allele.
Comment: SPART: PP3